The following is an entry in ClinVar:

NM_001242896.3(DEPDC5):c.1039C>T (p.Arg347Cys)

Gene: DEPDC5 (DEP domain containing 5, GATOR1 subcomplex subunit; plus strand). Cytogenetic location: 22q12.3.
Variant type: single nucleotide variant.
Coding change: c.1039C>T on transcript NM_001242896.3 (MANE Select); coding-DNA position 1039, C replaced by T.
Protein change: p.Arg347Cys; replaces arginine 347 with cysteine.
Molecular consequence: missense variant. On other transcripts: non-coding transcript variant (5).
Genome position (GRCh38, 1-based): chr22:31,802,796, C>T. VCF-style: chr22-31802796-C-T. GRCh37 (hg19) VCF-style: chr22-32198782-C-T.
Other names: c.1039C>T, p.Arg347Cys (NM_001007188.4, NM_001136029.4, NM_001242897.2 and 7 more transcripts); c.955C>T, p.Arg319Cys (NM_001369901.1, NM_001369902.1); short protein forms R319C, R347C.
Identifiers: ClinVar variation 2499441 (VCV002499441.2), dbSNP rs1191950663, ClinGen allele CA411292925.

ClinVar aggregate classification (germline): Uncertain significance (1 of 4 stars; one submission).

Allele frequency attached by ClinVar (database versions not stated): gnomAD 0.00001.
gnomAD v4.1: 7 of 1,607,168 alleles (0.00044%); highest among the groups gnomAD compares: Non-Finnish European, 0.00059%; no homozygotes.

Submission:

GeneDx
Classification: Uncertain significance. Last evaluated: 2025-01-10. Review status: criteria provided, single submitter. Criteria: GeneDx Variant Classification Process June 2021. Collection method: clinical testing. Allele origin: germline.
Comment: Not observed at significant frequency in large population cohorts (gnomAD); In silico analysis supports that this missense variant has a deleterious effect on protein structure/function; Has not been previously published as pathogenic or benign to our knowledge